The following is an entry in ClinVar:

NM_001145358.2(SIN3A):c.2277+9G>A

Gene: SIN3A (SIN3 transcription regulator family member A; minus strand). Cytogenetic location: 15q24.2.
Variant type: single nucleotide variant.
Coding change: c.2277+9G>A on transcript NM_001145358.2 (MANE Select); 9 bases into the intron after coding-DNA position 2277, G replaced by A.
Molecular consequence: intron variant.
Genome position (GRCh38, 1-based): chr15:75,394,671, C>T on the plus strand (G>A on the coding strand, the complement: SIN3A is on the minus strand). VCF-style: chr15-75394671-C-T. GRCh37 (hg19) VCF-style: chr15-75687012-C-T.
Other names: c.2277+9G>A (NM_001437463.1, NM_001145357.2, NM_001437462.1 and 1 more transcripts).
Identifiers: ClinVar variation 4883156 (VCV004883156.2).

ClinVar aggregate classification (germline): Uncertain significance (1 of 4 stars; one submission).

Conditions:
SIN3A-related intellectual disability syndrome. Identifiers: Orphanet 500163, MedGen CN258628, MONDO:0044699.

Submission:

Dasa
Classification: Uncertain significance for SIN3A-related intellectual disability syndrome. Last evaluated: 2025-12-29. Review status: criteria provided, single submitter. Criteria: DASA Assertion Criteria. Collection method: clinical testing. Allele origin: germline.
Comment: NM_001145358.2(SIN3A):c.2277+9G>A is a splice-region variant. This variant is rare in population databases. Computational prediction algorithms are consistent with a benign effect. The currently available literature and clinical evidence are not sufficient to establish a definitive association between this variant and the reported condition. Therefore, this variant is classified as a variant of uncertain significance.